The following is an entry in ClinVar:

ClinVar aggregate classification (germline): Likely benign. Review status: criteria provided, multiple submitters, no conflicts (2 of 4 stars). 3 submissions from 3 submitters: Likely benign (3). Last evaluated 2025-05-05.

Conditions:
TRPM1-related disorder. Also called: TRPM1-related condition.

Allele frequency attached by ClinVar (database versions not stated): gnomAD exomes 0.00003 and 0.00005; gnomAD 0.00020 and 0.00024; TOPMed 0.00021; ExAC 0.00004; ESP Exome Variant Server 0.00017.
gnomAD v4.1: 68 of 1,600,032 alleles (0.0042%); highest among the groups gnomAD compares: African/African-American, 0.078%; no homozygotes.

Submissions (3):

Labcorp Genetics (formerly Invitae), Labcorp
Classification: Likely benign. Last evaluated: 2025-05-05. Review status: criteria provided, single submitter. Criteria: Invitae Variant Classification Sherloc (09022015). Collection method: clinical testing. Allele origin: germline.

PreventionGenetics, part of Exact Sciences
Classification: Likely benign for TRPM1-related condition. Last evaluated: 2025-04-07. Review status: criteria provided, single submitter. Criteria: ACMG Guidelines, 2015. Collection method: clinical testing. Allele origin: germline.
Comment: This variant is classified as likely benign based on ACMG/AMP sequence variant interpretation guidelines (Richards et al. 2015 PMID: 25741868, with internal and published modifications).

Blueprint Genetics
Classification: Likely benign. Last evaluated: 2022-12-01. Review status: criteria provided, single submitter. Criteria: ACMG Guidelines, 2015. Collection method: clinical testing. Allele origin: germline.

NM_001252024.2(TRPM1):c.3741C>T (p.Asn1247=)

Gene: TRPM1 (transient receptor potential cation channel subfamily M member 1; minus strand). Cytogenetic location: 15q13.3.
Variant type: single nucleotide variant.
Coding change: c.3741C>T on transcript NM_001252024.2 (MANE Select); coding-DNA position 3741, C replaced by T.
Protein change: p.Asn1247=; no amino-acid change (asparagine 1247 retained).
Molecular consequence: synonymous variant.
Genome position (GRCh38, 1-based): chr15:31,002,959, G>A on the plus strand (C>T on the coding strand, the complement: TRPM1 is on the minus strand). VCF-style: chr15-31002959-G-A. GRCh37 (hg19) VCF-style: chr15-31295162-G-A.
Other names: c.3792C>T (NM_001252020.1); c.3792C>T, p.Asn1264= (NM_001252020.2); c.3675C>T, p.Asn1225= (NM_002420.6).
Identifiers: ClinVar variation 1140300 (VCV001140300.11), dbSNP rs375722162, ClinGen allele CA7451780.